The following is an entry in ClinVar:

NM_002693.3(POLG):c.211C>T (p.His71Tyr)

Genes: POLG (DNA polymerase gamma, catalytic subunit; minus strand), POLGARF (POLG alternative reading frame; minus strand). Cytogenetic location: 15q26.1.
Variant type: single nucleotide variant.
Coding change: c.211C>T on transcript NM_002693.3 (MANE Select); coding-DNA position 211, C replaced by T.
Protein change: p.His71Tyr; replaces histidine 71 with tyrosine.
Molecular consequence: missense variant.
Genome position (GRCh38, 1-based): chr15:89,333,544, G>A on the plus strand (C>T on the coding strand, the complement: POLG is on the minus strand). VCF-style: chr15-89333544-G-A. GRCh37 (hg19) VCF-style: chr15-89876775-G-A.
Other names: c.211C>T, p.His71Tyr (NM_001126131.2); short protein forms H71Y.
Identifiers: ClinVar variation 2102385 (VCV002102385.4), dbSNP rs1596362518, ClinGen allele CA393773586.

ClinVar aggregate classification (germline): Uncertain significance (1 of 4 stars; one submission).

Conditions:
Progressive sclerosing poliodystrophy (MTDPS4A). Also called: Mitochondrial DNA Depletion Syndrome 4A; Alpers-Huttenlocher Syndrome (AHS); ALPERS PROGRESSIVE INFANTILE POLIODYSTROPHY; NEURONAL DEGENERATION OF CHILDHOOD WITH LIVER DISEASE, PROGRESSIVE; Mitochondrial DNA depletion syndrome 4A (Alpers type); Alpers Syndrome. Identifiers: Orphanet 726, MedGen C0205710, MONDO:0008758, OMIM 203700.

Submission:

Labcorp Genetics (formerly Invitae), Labcorp
Classification: Uncertain significance for Progressive sclerosing poliodystrophy. Last evaluated: 2024-10-18. Review status: criteria provided, single submitter. Criteria: Invitae Variant Classification Sherloc (09022015). Collection method: clinical testing. Allele origin: germline.
Comment: This sequence change replaces histidine, which is basic and polar, with tyrosine, which is neutral and polar, at codon 71 of the POLG protein (p.His71Tyr). This variant is not present in population databases (gnomAD no frequency). This variant has not been reported in the literature in individuals affected with POLG-related conditions. ClinVar contains an entry for this variant (Variation ID: 2102385). Invitae Evidence Modeling of protein sequence and biophysical properties (such as structural, functional, and spatial information, amino acid conservation, physicochemical variation, residue mobility, and thermodynamic stability) indicates that this missense variant is not expected to disrupt POLG protein function with a negative predictive value of 95%. In summary, the available evidence is currently insufficient to determine the role of this variant in disease. Therefore, it has been classified as a Variant of Uncertain Significance.